The following is an entry in ClinVar:

NM_025055.5(CCDC33):c.484A>G (p.Thr162Ala)

Gene: CCDC33 (coiled-coil domain containing 33; plus strand). Cytogenetic location: 15q24.1.
Variant type: single nucleotide variant.
Coding change: c.484A>G on transcript NM_025055.5 (MANE Select); coding-DNA position 484, A replaced by G.
Protein change: p.Thr162Ala; replaces threonine 162 with alanine.
Molecular consequence: missense variant.
Genome position (GRCh38, 1-based): chr15:74,268,396, A>G. VCF-style: chr15-74268396-A-G. GRCh37 (hg19) VCF-style: chr15-74560737-A-G.
Other names: short protein forms T162A.
Identifiers: ClinVar variation 3054585 (VCV003054585.2), dbSNP rs567109737, ClinGen allele CA7655414.

ClinVar aggregate classification (germline): Likely benign (0 of 4 stars; one submission).

Conditions:
CCDC33-related disorder. Also called: CCDC33-related condition.

Allele frequency attached by ClinVar (database versions not stated): gnomAD 0.00007; TOPMed 0.00015; gnomAD exomes 0.00019; ExAC 0.00036.
gnomAD v4.1: 124 of 1,609,840 alleles (0.0077%); highest among the groups gnomAD compares: Admixed American, 0.2%; 1 homozygote.

Submission:

PreventionGenetics, part of Exact Sciences
Classification: Likely benign for CCDC33-related condition. Last evaluated: 2022-03-16. Review status: no assertion criteria provided. Collection method: clinical testing. Allele origin: germline.
Comment: This variant is classified as likely benign based on ACMG/AMP sequence variant interpretation guidelines (Richards et al. 2015 PMID: 25741868, with internal and published modifications).